The following is an entry in ClinVar:

NM_000492.3(CFTR):c.-183G>T

Genes: CFTR (CF transmembrane conductance regulator; plus strand), LOC111674463 (CFTR promoter region; plus strand). Cytogenetic location: 7q31.2.
Variant type: single nucleotide variant.
Coding change: c.-183G>T on transcript NM_000492.3; 183 bases upstream of the start codon, G replaced by T.
Genome position (GRCh38, 1-based): chr7:117,479,912, G>T. VCF-style: chr7-117479912-G-T. GRCh37 (hg19) VCF-style: chr7-117119966-G-T.
Identifiers: ClinVar variation 3076093 (VCV003076093.1), dbSNP rs1398247410, ClinGen allele CA2684616925.
Genomic context (GRCh38, chr7:117,479,912, plus strand): 5'-AGAGCAAATTTGGGGCCGGACCAGGCAGCACTCGGCTTTTAACCTGGGCAGTGAAGGCGG[G>T]GGAAAGAGCAAAAGGAAGGGGTGGTGTGCGGAGTAGGGGTGGGTGGGGGGAATTGGAAGC-3'

ClinVar aggregate classification (germline): Uncertain significance (1 of 4 stars; one submission).

Conditions:
Cystic fibrosis (CF). Also called: MUCOVISCIDOSIS. Identifiers: Orphanet 586, MedGen C0010674, MONDO:0009061, OMIM 219700. Disease mechanism: loss of function.

Submission:

Ambry Genetics
Classification: Uncertain significance for Cystic fibrosis. Last evaluated: 2015-07-22. Review status: criteria provided, single submitter. Criteria: Ambry Variant Classification Scheme 2023. Collection method: clinical testing. Allele origin: germline.
Comment: The c.-183G>T alteration is located in the 5' untranslated region (5'UTR) of the CFTR gene. This alteration consists of a G to T substitution nucleotides upstream from the first translated codon. Based on insufficient or conflicting evidence, the clinical significance of this alteration remains unclear.